The following is an entry in ClinVar:

NM_006005.3(WFS1):c.1099G>A (p.Asp367Asn)

Gene: WFS1 (wolframin ER transmembrane glycoprotein; plus strand). Cytogenetic location: 4p16.1.
Variant type: single nucleotide variant.
Coding change: c.1099G>A on transcript NM_006005.3 (MANE Select); coding-DNA position 1099, G replaced by A.
Protein change: p.Asp367Asn; replaces aspartic acid 367 with asparagine.
Molecular consequence: missense variant.
Genome position (GRCh38, 1-based): chr4:6,300,894, G>A. VCF-style: chr4-6300894-G-A. GRCh37 (hg19) VCF-style: chr4-6302621-G-A.
Other names: c.1099G>A, p.Asp367Asn (NM_001145853.1); short protein forms D367N.
Identifiers: ClinVar variation 349316 (VCV000349316.8), dbSNP rs886059528, ClinGen allele CA10618995.

ClinVar aggregate classification (germline): Uncertain significance. Review status: criteria provided, multiple submitters, no conflicts (2 of 4 stars). 3 submissions from 2 submitters: Uncertain significance (3). Last evaluated 2023-09-03.

Conditions:
Autosomal dominant nonsyndromic hearing loss 6 (LFSNHL). Also called: DEAFNESS, AUTOSOMAL DOMINANT 6; DEAFNESS, AUTOSOMAL DOMINANT 14; DEAFNESS, AUTOSOMAL DOMINANT 38; Autosomal dominant nonsyndromic deafness 6; DIDMOAD (Diabetes Insipidus, Diabetes Mellitus, Optic Atrophy, and Deafness). Identifiers: Orphanet 90635, MedGen C1833021, MONDO:0010963, OMIM 600965.
WFS1-Related Spectrum Disorders.

Allele frequency attached by ClinVar (database versions not stated): gnomAD exomes below 0.00001 and 0.00002; TOPMed 0.00001.
gnomAD v4.1: 24 of 1,614,088 alleles (0.0015%); highest among the groups gnomAD compares: South Asian, 0.0044%; no homozygotes.

Submissions (3):

Labcorp Genetics (formerly Invitae), Labcorp
Classification: Uncertain significance. Last evaluated: 2023-09-03. Review status: criteria provided, single submitter. Criteria: Invitae Variant Classification Sherloc (09022015). Collection method: clinical testing. Allele origin: germline.
Comment: This variant has not been reported in the literature in individuals affected with WFS1-related conditions. This variant is present in population databases (no rsID available, gnomAD 0.003%). This sequence change replaces aspartic acid, which is acidic and polar, with asparagine, which is neutral and polar, at codon 367 of the WFS1 protein (p.Asp367Asn). ClinVar contains an entry for this variant (Variation ID: 349316). In summary, the available evidence is currently insufficient to determine the role of this variant in disease. Therefore, it has been classified as a Variant of Uncertain Significance. Advanced modeling of protein sequence and biophysical properties (such as structural, functional, and spatial information, amino acid conservation, physicochemical variation, residue mobility, and thermodynamic stability) performed at Invitae indicates that this missense variant is not expected to disrupt WFS1 protein function.

Illumina Laboratory Services, Illumina
Classification: Uncertain significance for WFS1-Related Spectrum Disorders. Last evaluated: 2018-01-13. Review status: criteria provided, single submitter. Criteria: ICSL Variant Classification Criteria 13 December 2019. Collection method: clinical testing. Allele origin: germline.

Illumina Laboratory Services, Illumina
Classification: Uncertain significance for Autosomal dominant nonsyndromic hearing loss 6. Last evaluated: 2018-01-13. Review status: criteria provided, single submitter. Criteria: ICSL Variant Classification Criteria 13 December 2019. Collection method: clinical testing. Allele origin: germline.